The following is an entry in ClinVar:

ClinVar aggregate classification (germline): Likely benign. Review status: criteria provided, multiple submitters, no conflicts (2 of 4 stars). 2 submissions from 2 submitters: Likely benign (2). Last evaluated 2023-08-30.

Conditions:
Catecholaminergic polymorphic ventricular tachycardia 1. Also called: VENTRICULAR TACHYCARDIA, CATECHOLAMINERGIC POLYMORPHIC, 1, WITH OR WITHOUT ATRIAL DYSFUNCTION AND/OR DILATED CARDIOMYOPATHY; RYR2-Related Catecholaminergic Polymorphic Ventricular Tachycardia; VENTRICULAR TACHYCARDIA, STRESS-INDUCED POLYMORPHIC 1. Identifiers: Orphanet 3286, MedGen C1631597, MONDO:0011484, OMIM 604772.

Allele frequency attached by ClinVar (database versions not stated): TOPMed below 0.00001.

Submissions (2):

Labcorp Genetics (formerly Invitae), Labcorp
Classification: Likely benign for Catecholaminergic polymorphic ventricular tachycardia 1. Last evaluated: 2023-08-30. Review status: criteria provided, single submitter. Criteria: Invitae Variant Classification Sherloc (09022015). Collection method: clinical testing. Allele origin: germline.

CeGaT Center for Human Genetics Tuebingen
Classification: Likely benign. Last evaluated: 2023-08-01. Review status: criteria provided, single submitter. Criteria: CeGaT Center For Human Genetics Tuebingen Variant Classification Criteria Version 2. Collection method: clinical testing. Allele origin: germline. Affected: yes. Observed: 1 variant allele.
Comment: TRDN: PM2:Supporting, BP4, BP7

NM_006073.4(TRDN):c.1395G>A (p.Lys465=)

Gene: TRDN (triadin; minus strand). Cytogenetic location: 6q22.31.
Variant type: single nucleotide variant.
Coding change: c.1395G>A on transcript NM_006073.4 (MANE Select); coding-DNA position 1395, G replaced by A.
Protein change: p.Lys465=; no amino-acid change (lysine 465 retained).
Molecular consequence: synonymous variant.
Genome position (GRCh38, 1-based): chr6:123,337,644, C>T on the plus strand (G>A on the coding strand, the complement: TRDN is on the minus strand). VCF-style: chr6-123337644-C-T. GRCh37 (hg19) VCF-style: chr6-123658789-C-T.
Identifiers: ClinVar variation 2579007 (VCV002579007.28), dbSNP rs1323480717, ClinGen allele CA452054980.